The following is an entry in ClinVar:

ClinVar aggregate classification (germline): Uncertain significance. Review status: criteria provided, multiple submitters, no conflicts (2 of 4 stars). 4 submissions from 3 submitters: Uncertain significance (4). Last evaluated 2023-02-08.

Conditions:
Inborn genetic diseases. Identifiers: MedGen C0950123, MeSH D030342.
Amyotrophic lateral sclerosis type 4 (ALS4). Also called: NEURONOPATHY, DISTAL HEREDITARY MOTOR, WITH PYRAMIDAL FEATURES; AMYOTROPHIC LATERAL SCLEROSIS 4, JUVENILE. Identifiers: Orphanet 357043, MedGen C1865409, MONDO:0011223, OMIM 602433.
Spinocerebellar ataxia, autosomal recessive, with axonal neuropathy 2 (SCAN2). Also called: ATAXIA-OCULOMOTOR APRAXIA 2; Ataxia with Oculomotor Apraxia Type 2; Ataxia with Oculomotor Apraxia; Ataxia-ocular apraxia-2. Identifiers: Orphanet 64753, MedGen C1853761, MONDO:0018996, OMIM 606002.

Allele frequency attached by ClinVar (database versions not stated): gnomAD 0.00001; gnomAD exomes 0.00001 and 0.00002; TOPMed 0.00001; ExAC 0.00002.

Submissions (4):

Genome-Nilou Lab
Classification: Uncertain significance for Spinocerebellar ataxia, autosomal recessive, with axonal neuropathy 2. Last evaluated: 2023-02-08. Review status: criteria provided, single submitter. Criteria: ACMG Guidelines, 2015. Collection method: clinical testing. Allele origin: germline.

Genome-Nilou Lab
Classification: Uncertain significance for Amyotrophic lateral sclerosis type 4. Last evaluated: 2023-02-08. Review status: criteria provided, single submitter. Criteria: ACMG Guidelines, 2015. Collection method: clinical testing. Allele origin: germline.

Ambry Genetics
Classification: Uncertain significance for Inborn genetic diseases. Last evaluated: 2019-10-31. Review status: criteria provided, single submitter. Criteria: Ambry Variant Classification Scheme 2023. Collection method: clinical testing. Allele origin: germline.
Comment: The p.E1074G variant (also known as c.3221A>G), located in coding exon 8 of the SETX gene, results from an A to G substitution at nucleotide position 3221. The glutamic acid at codon 1074 is replaced by glycine, an amino acid with similar properties. This amino acid position is well conserved in available vertebrate species. In addition, the in silico prediction for this alteration is inconclusive. Since supporting evidence is limited at this time, the clinical significance of this alteration remains unclear.

Athena Diagnostics
Classification: Uncertain significance. Last evaluated: 2016-12-09. Review status: criteria provided, single submitter. Criteria: Athena Diagnostics Criteria. Collection method: clinical testing. Allele origin: germline.

Literature cited by the submitters: PubMed 23881933 (cited by Athena Diagnostics).

NM_015046.7(SETX):c.3221A>G (p.Glu1074Gly)

Gene: SETX (senataxin; minus strand). Cytogenetic location: 9q34.13.
Variant type: single nucleotide variant.
Coding change: c.3221A>G on transcript NM_015046.7 (MANE Select); coding-DNA position 3221, A replaced by G.
Protein change: p.Glu1074Gly; replaces glutamic acid 1074 with glycine.
Molecular consequence: missense variant.
Genome position (GRCh38, 1-based): chr9:132,328,377, T>C on the plus strand (A>G on the coding strand, the complement: SETX is on the minus strand). VCF-style: chr9-132328377-T-C. GRCh37 (hg19) VCF-style: chr9-135203764-T-C.
Other names: c.3221A>G, p.Glu1074Gly (NM_001351527.2, NM_001351528.2); short protein forms E1074G.
Identifiers: ClinVar variation 448321 (VCV000448321.4), dbSNP rs752140967, ClinGen allele CA5297447.